The following is an entry in ClinVar:

ClinVar aggregate classification (germline): Likely benign. Review status: criteria provided, multiple submitters, no conflicts (2 of 4 stars). 2 submissions from 2 submitters: Likely benign (2). Last evaluated 2025-09-02.

Allele frequency attached by ClinVar (database versions not stated): gnomAD exomes below 0.00001; TOPMed below 0.00001; ESP Exome Variant Server 0.00008.
gnomAD v4.1: 4 of 1,613,374 alleles (0.00025%); highest among the groups gnomAD compares: Non-Finnish European, 0.00034%; no homozygotes.

Submissions (2):

Mayo Clinic Laboratories, Mayo Clinic
Classification: Likely benign. Last evaluated: 2025-09-02. Review status: criteria provided, single submitter. Criteria: ACMG Guidelines, 2015. Collection method: clinical testing. Allele origin: germline. Observed: 1 variant allele.
Comment: BP4, BP7

Labcorp Genetics (formerly Invitae), Labcorp
Classification: Likely benign. Last evaluated: 2021-09-14. Review status: criteria provided, single submitter. Criteria: Invitae Variant Classification Sherloc (09022015). Collection method: clinical testing. Allele origin: germline.

NM_003906.5(MCM3AP):c.3489G>A (p.Leu1163=)

Gene: MCM3AP (minichromosome maintenance complex component 3 associated protein; minus strand). Cytogenetic location: 21q22.3.
Variant type: single nucleotide variant.
Coding change: c.3489G>A on transcript NM_003906.5 (MANE Select); coding-DNA position 3489, G replaced by A.
Protein change: p.Leu1163=; no amino-acid change (leucine 1163 retained).
Molecular consequence: synonymous variant.
Genome position (GRCh38, 1-based): chr21:46,260,885, C>T on the plus strand (G>A on the coding strand, the complement: MCM3AP is on the minus strand). VCF-style: chr21-46260885-C-T. GRCh37 (hg19) VCF-style: chr21-47680799-C-T.
Other names: p.Leu1163=.
Identifiers: ClinVar variation 1608961 (VCV001608961.9), dbSNP rs369571762, ClinGen allele CA321984867.